The following is an entry in ClinVar:

NM_005359.6(SMAD4):c.661T>A (p.Ser221Thr)

Gene: SMAD4 (SMAD family member 4; plus strand). Cytogenetic location: 18q21.2.
Variant type: single nucleotide variant.
Coding change: c.661T>A on transcript NM_005359.6 (MANE Select); coding-DNA position 661, T replaced by A.
Protein change: p.Ser221Thr; replaces serine 221 with threonine.
Molecular consequence: missense variant.
Genome position (GRCh38, 1-based): chr18:51,054,987, T>A. VCF-style: chr18-51054987-T-A. GRCh37 (hg19) VCF-style: chr18-48581357-T-A.
Other names: short protein forms S221T.
Identifiers: ClinVar variation 567374 (VCV000567374.10), dbSNP rs1568205115, ClinGen allele CA402461346.

ClinVar aggregate classification (germline): Uncertain significance (1 of 4 stars; one submission).

Conditions:
Juvenile polyposis syndrome (JPS). Identifiers: Orphanet 2929, MedGen C0345893, MONDO:0017380, OMIM 174900.

Submission:

Labcorp Genetics (formerly Invitae), Labcorp
Classification: Uncertain significance for Juvenile polyposis syndrome. Last evaluated: 2018-01-22. Review status: criteria provided, single submitter. Criteria: Invitae Variant Classification Sherloc (09022015). Collection method: clinical testing. Allele origin: germline.
Comment: In summary, the available evidence is currently insufficient to determine the role of this variant in disease. Therefore, it has been classified as a Variant of Uncertain Significance. Algorithms developed to predict the effect of missense changes on protein structure and function (SIFT, PolyPhen-2, Align-GVGD) all suggest that this variant is likely to be tolerated, but these predictions have not been confirmed by published functional studies and their clinical significance is uncertain. This variant has not been reported in the literature in individuals with SMAD4-related disease. This variant is not present in population databases (ExAC no frequency). This sequence change replaces serine with threonine at codon 221 of the SMAD4 protein (p.Ser221Thr). The serine residue is moderately conserved and there is a small physicochemical difference between serine and threonine.